The following is an entry in ClinVar:

ClinVar aggregate classification (germline): Uncertain significance (1 of 4 stars; one submission).

gnomAD v4.1: 1 of 1,536,776 alleles (0.000065%); highest among the groups gnomAD compares: Non-Finnish European, 0.000088%; no homozygotes.

Submission:

Labcorp Genetics (formerly Invitae), Labcorp
Classification: Uncertain significance. Last evaluated: 2023-04-19. Review status: criteria provided, single submitter. Criteria: Invitae Variant Classification Sherloc (09022015). Collection method: clinical testing. Allele origin: germline.
Comment: This sequence change replaces phenylalanine, which is neutral and non-polar, with leucine, which is neutral and non-polar, at codon 113 of the ARID1B protein (p.Phe113Leu). In summary, the available evidence is currently insufficient to determine the role of this variant in disease. Therefore, it has been classified as a Variant of Uncertain Significance. Advanced modeling of protein sequence and biophysical properties (such as structural, functional, and spatial information, amino acid conservation, physicochemical variation, residue mobility, and thermodynamic stability) performed at Invitae indicates that this missense variant is not expected to disrupt ARID1B protein function. This variant has not been reported in the literature in individuals affected with ARID1B-related conditions. This variant is not present in population databases (gnomAD no frequency).

NM_001374828.1(ARID1B):c.588C>G (p.Phe196Leu)

Genes: ARID1B (AT-rich interaction domain 1B; plus strand), LOC115308161 (uncharacterized LOC115308161; minus strand). Cytogenetic location: 6q25.3.
Variant type: single nucleotide variant.
Coding change: c.588C>G on transcript NM_001374828.1 (MANE Select); coding-DNA position 588, C replaced by G.
Protein change: p.Phe196Leu; replaces phenylalanine 196 with leucine.
Molecular consequence: missense variant. On other transcripts: non-coding transcript variant (1).
Genome position (GRCh38, 1-based): chr6:156,778,268, C>G. VCF-style: chr6-156778268-C-G. GRCh37 (hg19) VCF-style: chr6-157099402-C-G.
Other names: c.339C>G, p.Phe113Leu (NM_001346813.1, NM_020732.3); c.588C>G, p.Phe196Leu (NM_001371656.1, NM_001374820.1, NM_017519.3); c.165C>G, p.Phe55Leu (NM_175863.2); short protein forms F113L, F55L, F196L.
Identifiers: ClinVar variation 2870485 (VCV002870485.3), dbSNP rs905464015, ClinGen allele CA366381656.
Genomic context (GRCh38, chr6:156,778,268, plus strand): 5'-CCACCACCATGCCCACCACCTCCACCACCACCACGCACTACAGCAGCAGCTAAACCAGTT[C>G]CAGCAGCAGCAGCAGCAGCAGCAACAGCAGCAGCAGCAGCAGCAGCAACAGCAACATCCC-3'
Protein context (NP_001361757.1, residues 186-206): HHALQQQLNQ[Phe196Leu]QQQQQQQQQQ